The following is an entry in ClinVar:

ClinVar aggregate classification (germline): Uncertain significance (1 of 4 stars; one submission).

Conditions:
Developmental and epileptic encephalopathy 94 (DEE94). Also called: Epileptic encephalopathy, childhood-onset; CHD2-Related Neurodevelopmental Disorders. Identifiers: Orphanet 1942, Orphanet 2382, MedGen C3809278, MONDO:0014150, OMIM 615369.

Submission:

Labcorp Genetics (formerly Invitae), Labcorp
Classification: Uncertain significance for Developmental and epileptic encephalopathy 94. Last evaluated: 2021-05-14. Review status: criteria provided, single submitter. Criteria: Invitae Variant Classification Sherloc (09022015). Collection method: clinical testing. Allele origin: germline.
Comment: This sequence change replaces isoleucine with serine at codon 1210 of the CHD2 protein (p.Ile1210Ser). The isoleucine residue is highly conserved and there is a large physicochemical difference between isoleucine and serine. This variant is not present in population databases (ExAC no frequency). This variant has not been reported in the literature in individuals with CHD2-related conditions. Advanced modeling of protein sequence and biophysical properties (such as structural, functional, and spatial information, amino acid conservation, physicochemical variation, residue mobility, and thermodynamic stability) performed at Invitae indicates that this missense variant is not expected to disrupt CHD2 protein function. In summary, the available evidence is currently insufficient to determine the role of this variant in disease. Therefore, it has been classified as a Variant of Uncertain Significance.

NM_001271.4(CHD2):c.3629T>G (p.Ile1210Ser)

Gene: CHD2 (chromodomain helicase DNA binding protein 2; plus strand). Cytogenetic location: 15q26.1.
Variant type: single nucleotide variant.
Coding change: c.3629T>G on transcript NM_001271.4 (MANE Select); coding-DNA position 3629, T replaced by G.
Protein change: p.Ile1210Ser; replaces isoleucine 1210 with serine.
Molecular consequence: missense variant.
Genome position (GRCh38, 1-based): chr15:92,996,990, T>G. VCF-style: chr15-92996990-T-G. GRCh37 (hg19) VCF-style: chr15-93540220-T-G.
Other names: short protein forms I1210S.
Identifiers: ClinVar variation 1353637 (VCV001353637.8), dbSNP rs2141867277, ClinGen allele CA393897669.